The following is an entry in ClinVar:

ClinVar aggregate classification (germline): Likely benign. Review status: criteria provided, single submitter (1 of 4 stars). 2 submissions from 2 submitters: Likely benign (1). 1 of the submissions does not count toward it. Last evaluated 2025-12-15.

Conditions:
STRADA-related disorder. Also called: STRADA-related condition.
Polyhydramnios, megalencephaly, and symptomatic epilepsy (PMSE). Also called: PMSE SYNDROME. Identifiers: Orphanet 500533, MedGen C1970203, MONDO:0012611, OMIM 611087.

Allele frequency attached by ClinVar (database versions not stated): ExAC 0.00002; gnomAD exomes 0.00004 and 0.00009; gnomAD 0.00005; TOPMed 0.00007; ESP Exome Variant Server 0.00015.
gnomAD v4.1: 129 of 1,614,020 alleles (0.008%); highest among the groups gnomAD compares: Admixed American, 0.012%; no homozygotes.

Submissions (2):

Labcorp Genetics (formerly Invitae), Labcorp
Classification: Likely benign for Polyhydramnios, megalencephaly, and symptomatic epilepsy. Last evaluated: 2025-12-15. Review status: criteria provided, single submitter. Criteria: Invitae Variant Classification Sherloc (09022015). Collection method: clinical testing. Allele origin: germline.

PreventionGenetics, part of Exact Sciences
Classification: Likely benign for STRADA-related condition. Last evaluated: 2021-11-01. Review status: no assertion criteria provided. Collection method: clinical testing. Allele origin: germline. Not counted in ClinVar's aggregate classification.
Comment: This variant is classified as likely benign based on ACMG/AMP sequence variant interpretation guidelines (Richards et al. 2015 PMID: 25741868, with internal and published modifications).

NM_001003787.4(STRADA):c.711T>C (p.Ser237=)

Gene: STRADA (STE20 related adaptor alpha; minus strand). Cytogenetic location: 17q23.3.
Variant type: single nucleotide variant.
Coding change: c.711T>C on transcript NM_001003787.4 (MANE Select); coding-DNA position 711, T replaced by C.
Protein change: p.Ser237=; no amino-acid change (serine 237 retained).
Molecular consequence: synonymous variant.
Genome position (GRCh38, 1-based): chr17:63,707,289, A>G on the plus strand (T>C on the coding strand, the complement: STRADA is on the minus strand). VCF-style: chr17-63707289-A-G. GRCh37 (hg19) VCF-style: chr17-61784649-A-G.
Other names: c.600T>C, p.Ser200= (NM_001003786.3, NM_001363789.1, NM_153335.6); c.537T>C, p.Ser179= (NM_001003788.3, NM_001363790.1, NM_001363791.1); c.624T>C, p.Ser208= (NM_001165969.2, NM_001363787.1); c.579T>C, p.Ser193= (NM_001165970.2); c.687T>C, p.Ser229= (NM_001363786.1); c.711T>C, p.Ser237= (NM_001363788.1).
Identifiers: ClinVar variation 787853 (VCV000787853.12), dbSNP rs372014143, ClinGen allele CA8703309.